The following is an entry in ClinVar:

ClinVar aggregate classification (germline): Uncertain significance (1 of 4 stars; one submission).

Conditions:
Hereditary cancer-predisposing syndrome. Also called: Neoplastic Syndromes, Hereditary; Tumor predisposition; Hereditary neoplastic syndrome; Hereditary Cancer Syndrome. Identifiers: Orphanet 140162, MedGen C0027672, MeSH D009386, MONDO:0015356.

Allele frequency attached by ClinVar (database versions not stated): gnomAD 0.00001; TOPMed 0.00001.
gnomAD v4.1: 1 of 1,614,108 alleles (0.000062%); highest among the groups gnomAD compares: Admixed American, 0.0017%; no homozygotes.

Submission:

Ambry Genetics
Classification: Uncertain significance for Hereditary cancer-predisposing syndrome. Last evaluated: 2024-01-20. Review status: criteria provided, single submitter. Criteria: Ambry Variant Classification Scheme 2023. Collection method: clinical testing. Allele origin: germline.
Comment: The p.I96V variant (also known as c.286A>G), located in coding exon 2 of the TMEM127 gene, results from an A to G substitution at nucleotide position 286. The isoleucine at codon 96 is replaced by valine, an amino acid with highly similar properties. This amino acid position is conserved. In addition, the in silico prediction for this alteration is inconclusive. Based on the available evidence, the clinical significance of this alteration remains unclear.

NM_017849.4(TMEM127):c.286A>G (p.Ile96Val)

Gene: TMEM127 (transmembrane protein 127; minus strand). Cytogenetic location: 2q11.2.
Variant type: single nucleotide variant.
Coding change: c.286A>G on transcript NM_017849.4 (MANE Select); coding-DNA position 286, A replaced by G.
Protein change: p.Ile96Val; replaces isoleucine 96 with valine.
Molecular consequence: missense variant.
Genome position (GRCh38, 1-based): chr2:96,254,956, T>C on the plus strand (A>G on the coding strand, the complement: TMEM127 is on the minus strand). VCF-style: chr2-96254956-T-C. GRCh37 (hg19) VCF-style: chr2-96920694-T-C.
Other names: c.286A>G, p.Ile96Val (NM_001193304.3); c.34A>G, p.Ile12Val (NM_001407282.1, NM_001407283.1); short protein forms I12V, I96V.
Identifiers: ClinVar variation 3227070 (VCV003227070.1), dbSNP rs1684173772, ClinGen allele CA347653571.